The following is an entry in ClinVar:

ClinVar aggregate classification (germline): Uncertain significance. Review status: criteria provided, multiple submitters, no conflicts (2 of 4 stars). 4 submissions from 4 submitters: Uncertain significance (4). Last evaluated 2025-09-19.

Conditions:
Hereditary cancer-predisposing syndrome. Also called: Neoplastic Syndromes, Hereditary; Hereditary Cancer Syndrome; Hereditary neoplastic syndrome; Tumor predisposition. Identifiers: Orphanet 140162, MedGen C0027672, MeSH D009386, MONDO:0015356.
Familial cancer of breast. Also called: BREAST CANCER, FAMILIAL; Hereditary breast cancer; hereditary breast carcinoma. Identifiers: Orphanet 227535, MedGen C0346153, MONDO:0016419, OMIM 114480. Disease mechanism: loss of function.

Allele frequency attached by ClinVar (database versions not stated): gnomAD exomes below 0.00001; ExAC 0.00001; gnomAD 0.00001.
gnomAD v4.1: 2 of 1,614,040 alleles (0.00012%); highest among the groups gnomAD compares: Non-Finnish European, 0.00017%; no homozygotes.

Submissions (4):

Ambry Genetics
Classification: Uncertain significance for Hereditary cancer-predisposing syndrome. Last evaluated: 2025-09-19. Review status: criteria provided, single submitter. Criteria: Ambry Variant Classification Scheme 2023. Collection method: clinical testing. Allele origin: germline.
Comment: The p.S1165P variant (also known as c.3493T>C), located in coding exon 13 of the PALB2 gene, results from a T to C substitution at nucleotide position 3493. The serine at codon 1165 is replaced by proline, an amino acid with similar properties. This amino acid position is highly conserved in available vertebrate species. In addition, the in silico prediction for this alteration is inconclusive. Since supporting evidence is limited at this time, the clinical significance of this alteration remains unclear.

GeneDx
Classification: Uncertain significance. Last evaluated: 2025-06-17. Review status: criteria provided, single submitter. Criteria: GeneDx Variant Classification Process June 2021. Collection method: clinical testing. Allele origin: germline. Affected: yes.
Comment: Not observed at significant frequency in large population cohorts (gnomAD); In silico analysis supports that this missense variant has a deleterious effect on protein structure/function; Has not been previously published as pathogenic or benign to our knowledge; This variant is associated with the following publications: (PMID: 24485656, 19609323, 20871615)

Labcorp Genetics (formerly Invitae), Labcorp
Classification: Uncertain significance for Familial cancer of breast. Last evaluated: 2024-03-07. Review status: criteria provided, single submitter. Criteria: Invitae Variant Classification Sherloc (09022015). Collection method: clinical testing. Allele origin: germline.
Comment: This sequence change replaces serine, which is neutral and polar, with proline, which is neutral and non-polar, at codon 1165 of the PALB2 protein (p.Ser1165Pro). This variant is present in population databases (rs763591645, gnomAD 0.0009%). This variant has not been reported in the literature in individuals affected with PALB2-related conditions. ClinVar contains an entry for this variant (Variation ID: 460997). An algorithm developed to predict the effect of missense changes on protein structure and function (PolyPhen-2) suggests that this variant is likely to be disruptive. In summary, the available evidence is currently insufficient to determine the role of this variant in disease. Therefore, it has been classified as a Variant of Uncertain Significance.

Color Diagnostics, LLC DBA Color Health
Classification: Uncertain significance for Hereditary cancer-predisposing syndrome. Last evaluated: 2023-12-05. Review status: criteria provided, single submitter. Criteria: ACMG Guidelines, 2015. Collection method: clinical testing. Allele origin: germline.
Comment: This missense variant replaces serine with proline at codon 1165 of the PALB2 protein. Computational prediction suggests that this variant may not impact protein structure and function (internally defined REVEL score threshold <= 0.5, PMID: 27666373). To our knowledge, functional studies have not been reported for this variant. This variant has not been reported in individuals affected with PALB2-related disorders in the literature. This variant has been identified in 1/251482 chromosomes in the general population by the Genome Aggregation Database (gnomAD). The available evidence is insufficient to determine the role of this variant in disease conclusively. Therefore, this variant is classified as a Variant of Uncertain Significance.

NM_024675.4(PALB2):c.3493T>C (p.Ser1165Pro)

Gene: PALB2 (partner and localizer of BRCA2; minus strand). Cytogenetic location: 16p12.2.
Variant type: single nucleotide variant.
Coding change: c.3493T>C on transcript NM_024675.4 (MANE Select); coding-DNA position 3493, T replaced by C.
Protein change: p.Ser1165Pro; replaces serine 1165 with proline.
Molecular consequence: missense variant.
Genome position (GRCh38, 1-based): chr16:23,603,527, A>G on the plus strand (T>C on the coding strand, the complement: PALB2 is on the minus strand). VCF-style: chr16-23603527-A-G. GRCh37 (hg19) VCF-style: chr16-23614848-A-G.
Other names: short protein forms S1165P.
Identifiers: ClinVar variation 460997 (VCV000460997.18), dbSNP rs763591645, ClinGen allele CA7963329.